The following is an entry in ClinVar:

NM_152443.3(RDH12):c.352C>T (p.Gln118Ter)

Genes: GPHN (gephyrin; plus strand), RDH12 (retinol dehydrogenase 12; plus strand). Cytogenetic location: 14q24.1.
Variant type: single nucleotide variant.
Coding change: c.352C>T on transcript NM_152443.3 (MANE Select); coding-DNA position 352, C replaced by T.
Protein change: p.Gln118Ter; replaces glutamine 118 with a stop codon.
Molecular consequence: nonsense.
Genome position (GRCh38, 1-based): chr14:67,726,059, C>T. VCF-style: chr14-67726059-C-T. GRCh37 (hg19) VCF-style: chr14-68192776-C-T.
Other names: short protein forms Q118*.
Identifiers: ClinVar variation 3648892 (VCV003648892.2).

ClinVar aggregate classification (germline): Pathogenic (1 of 4 stars; one submission).

Conditions:
Leber congenital amaurosis 13 (LCA13). Identifiers: MedGen C2675186, MONDO:0012990, OMIM 612712.

Submission:

Labcorp Genetics (formerly Invitae), Labcorp
Classification: Pathogenic for Leber congenital amaurosis 13. Last evaluated: 2024-04-11. Review status: criteria provided, single submitter. Criteria: Invitae Variant Classification Sherloc (09022015). Collection method: clinical testing. Allele origin: germline.
Comment: This sequence change creates a premature translational stop signal (p.Gln118*) in the RDH12 gene. It is expected to result in an absent or disrupted protein product. Loss-of-function variants in RDH12 are known to be pathogenic (PMID: 17964524, 22065924, 32014858, 34001834). This variant is not present in population databases (gnomAD no frequency). This variant has not been reported in the literature in individuals affected with RDH12-related conditions. For these reasons, this variant has been classified as Pathogenic.

Literature cited by the submitters: PubMed 17964524; PubMed 22065924; PubMed 32014858; PubMed 34001834.